The following is an entry in ClinVar:

ClinVar aggregate classification (germline): Uncertain significance. Review status: criteria provided, multiple submitters, no conflicts (2 of 4 stars). 2 submissions from 2 submitters: Uncertain significance (2). Last evaluated 2025-12-08.

Conditions:
Inborn genetic diseases. Identifiers: MedGen C0950123, MeSH D030342.

Submissions (2):

Labcorp Genetics (formerly Invitae), Labcorp
Classification: Uncertain significance. Last evaluated: 2025-12-08. Review status: criteria provided, single submitter. Criteria: Invitae Variant Classification Sherloc (09022015). Collection method: clinical testing. Allele origin: germline.
Comment: This sequence change replaces alanine, which is neutral and non-polar, with threonine, which is neutral and polar, at codon 488 of the MBD4 protein (p.Ala488Thr). This variant is not present in population databases (gnomAD no frequency). This variant has not been reported in the literature in individuals affected with MBD4-related conditions. ClinVar contains an entry for this variant (Variation ID: 3698719). An algorithm developed to predict the effect of missense changes on protein structure and function (PolyPhen-2) suggests that this variant is likely to be disruptive. In summary, the available evidence is currently insufficient to determine the role of this variant in disease. Therefore, it has been classified as a Variant of Uncertain Significance.

Ambry Genetics
Classification: Uncertain significance for Inborn genetic diseases. Last evaluated: 2025-10-03. Review status: criteria provided, single submitter. Criteria: Ambry Variant Classification Scheme 2023. Collection method: clinical testing. Allele origin: germline.
Comment: The p.A482T variant (also known as c.1444G>A), located in coding exon 6 of the MBD4 gene, results from a G to A substitution at nucleotide position 1444. The alanine at codon 482 is replaced by threonine, an amino acid with similar properties. This amino acid position is conserved. In addition, the in silico prediction for this alteration is inconclusive. Based on the available evidence, the clinical significance of this variant remains unclear.

NM_001276270.2(MBD4):c.1444G>A (p.Ala482Thr)

Gene: MBD4 (methyl-CpG binding domain 4, DNA glycosylase; minus strand). Cytogenetic location: 3q21.3.
Variant type: single nucleotide variant.
Coding change: c.1444G>A on transcript NM_001276270.2 (MANE Select); coding-DNA position 1444, G replaced by A.
Protein change: p.Ala482Thr; replaces alanine 482 with threonine.
Molecular consequence: missense variant.
Genome position (GRCh38, 1-based): chr3:129,433,197, C>T on the plus strand (G>A on the coding strand, the complement: MBD4 is on the minus strand). VCF-style: chr3-129433197-C-T. GRCh37 (hg19) VCF-style: chr3-129152040-C-T.
Other names: c.1462G>A, p.Ala488Thr (NM_001276271.2, NM_001276272.2, NM_003925.3); c.508G>A, p.Ala170Thr (NM_001276273.2); short protein forms A488T, A170T, A482T.
Identifiers: ClinVar variation 3698719 (VCV003698719.3).